The following is an entry in ClinVar:

ClinVar aggregate classification (germline): Uncertain significance (1 of 4 stars; one submission).

gnomAD v4.1: 17 of 1,610,208 alleles (0.0011%); highest among the groups gnomAD compares: East Asian, 0.038%; no homozygotes.

Submission:

Labcorp Genetics (formerly Invitae), Labcorp
Classification: Uncertain significance. Last evaluated: 2026-01-20. Review status: criteria provided, single submitter. Criteria: Invitae Variant Classification Sherloc (09022015). Collection method: clinical testing. Allele origin: germline.
Comment: This sequence change replaces arginine, which is basic and polar, with proline, which is neutral and non-polar, at codon 146 of the CEACAM16 protein (p.Arg146Pro). This variant is present in population databases (rs762263810, gnomAD 0.05%). This variant has not been reported in the literature in individuals affected with CEACAM16-related conditions. An algorithm developed to predict the effect of missense changes on protein structure and function (PolyPhen-2) suggests that this variant is likely to be disruptive. In summary, the available evidence is currently insufficient to determine the role of this variant in disease. Therefore, it has been classified as a Variant of Uncertain Significance.

NM_001039213.4(CEACAM16):c.437G>C (p.Arg146Pro)

Genes: CEACAM16-AS1 (CEACAM16, CEACAM19 and PVR antisense RNA 1; minus strand), CEACAM16 (CEA cell adhesion molecule 16, tectorial membrane component; plus strand). Cytogenetic location: 19q13.32.
Variant type: single nucleotide variant.
Coding change: c.437G>C on transcript NM_001039213.4 (MANE Select); coding-DNA position 437, G replaced by C.
Protein change: p.Arg146Pro; replaces arginine 146 with proline.
Molecular consequence: missense variant.
Genome position (GRCh38, 1-based): chr19:44,704,072, G>C. VCF-style: chr19-44704072-G-C. GRCh37 (hg19) VCF-style: chr19-45207342-G-C.
Other names: short protein forms R146P.
Identifiers: ClinVar variation 4748718 (VCV004748718.1).